The following is an entry in ClinVar:

NM_024426.6(WT1):c.472G>C (p.Glu158Gln)

Genes: WT1 (WT1 transcription factor; minus strand), LOC107982234 (WT1/WT1-AS bi-directional promoter region; plus strand). Cytogenetic location: 11p13.
Variant type: single nucleotide variant.
Coding change: c.472G>C on transcript NM_024426.6 (MANE Select); coding-DNA position 472, G replaced by C.
Protein change: p.Glu158Gln; replaces glutamic acid 158 with glutamine.
Molecular consequence: missense variant. On other transcripts: non-coding transcript variant (1).
Genome position (GRCh38, 1-based): chr11:32,434,889, C>G on the plus strand (G>C on the coding strand, the complement: WT1 is on the minus strand). VCF-style: chr11-32434889-C-G. GRCh37 (hg19) VCF-style: chr11-32456435-C-G.
Other names: c.472G>C, p.Glu158Gln (NM_000378.6, NM_024424.5); short protein forms E158Q.
Identifiers: ClinVar variation 964352 (VCV000964352.12), dbSNP rs1565001383, ClinGen allele CA379964971.
Genomic context (GRCh38, chr11:32,434,889, plus strand): 5'-CGGCTGTGCCAGTGAACTGGCCGGAAAAGTGGACAGTGAAGGCGCTCAGGCACTGCTCCT[C>G]GTGCGGCTCCGCGCCGCCCCAGCTCGGCTCCTGTTTGATGAAGGAGTGAGGCGGCGGCGG-3'
Protein context (NP_077744.4, residues 148-168): EPSWGGAEPH[Glu158Gln]EQCLSAFTVH

ClinVar aggregate classification (germline): Uncertain significance. Review status: criteria provided, multiple submitters, no conflicts (2 of 4 stars). 3 submissions from 3 submitters: Uncertain significance (3). Last evaluated 2026-07-07.

Conditions:
Drash syndrome (DDS). Also called: NEPHROPATHY, WILMS TUMOR, AND GENITAL ANOMALIES; WILMS TUMOR AND PSEUDO- OR TRUE HERMAPHRODITISM. Identifiers: Orphanet 220, MedGen C0950121, MONDO:0008682, OMIM 194080.
Inborn genetic diseases. Identifiers: MedGen C0950123, MeSH D030342.
Wilms tumor 1 (WT1). Also called: Wilms tumor, somatic. Identifiers: Orphanet 654, MedGen CN033288, MONDO:0008679, OMIM 194070.
11p partial monosomy syndrome (WAGR). Also called: CHROMOSOME 11p13 DELETION SYNDROME; WAGR syndrome; WAGR Complex; WAGR Spectrum Disorder. Identifiers: Orphanet 893, MedGen C0206115, MONDO:0008681, OMIM 194072.
Frasier syndrome. Identifiers: Orphanet 347, MedGen C0950122, MeSH D052159, MONDO:0007635, OMIM 136680.

Submissions (3):

Ambry Genetics
Classification: Uncertain significance for Inborn genetic diseases. Last evaluated: 2026-07-07. Review status: criteria provided, single submitter. Criteria: Ambry Variant Classification Scheme 2023. Collection method: clinical testing. Allele origin: germline.
Comment: The p.E153Q variant (also known as c.457G>C), located in coding exon 1 of the WT1 gene, results from a G to C substitution at nucleotide position 457. The glutamic acid at codon 153 is replaced by glutamine, an amino acid with highly similar properties. This amino acid position is conserved. In addition, this alteration is predicted to be tolerated by in silico analysis. Based on the available evidence, the clinical significance of this variant remains unclear.

Labcorp Genetics (formerly Invitae), Labcorp
Classification: Uncertain significance for Wilms tumor 1; Drash syndrome; 11p partial monosomy syndrome; Frasier syndrome. Last evaluated: 2024-07-29. Review status: criteria provided, single submitter. Criteria: Invitae Variant Classification Sherloc (09022015). Collection method: clinical testing. Allele origin: germline.
Comment: This sequence change replaces glutamic acid, which is acidic and polar, with glutamine, which is neutral and polar, at codon 153 of the WT1 protein (p.Glu153Gln). This variant is not present in population databases (gnomAD no frequency). This variant has not been reported in the literature in individuals affected with WT1-related conditions. ClinVar contains an entry for this variant (Variation ID: 964352). Advanced modeling of protein sequence and biophysical properties (such as structural, functional, and spatial information, amino acid conservation, physicochemical variation, residue mobility, and thermodynamic stability) has been performed at Invitae for this missense variant, however the output from this modeling did not meet the statistical confidence thresholds required to predict the impact of this variant on WT1 protein function. In summary, the available evidence is currently insufficient to determine the role of this variant in disease. Therefore, it has been classified as a Variant of Uncertain Significance.

Baylor Genetics
Classification: Uncertain significance for Drash syndrome. Last evaluated: 2023-09-21. Review status: criteria provided, single submitter. Criteria: ACMG Guidelines, 2015. Collection method: clinical testing. Allele origin: unknown.